The following is an entry in ClinVar:

NM_004667.6(HERC2):c.13194G>A (p.Ala4398=)

Gene: HERC2 (HECT and RLD domain containing E3 ubiquitin protein ligase 2; minus strand). Cytogenetic location: 15q13.1.
Variant type: single nucleotide variant.
Coding change: c.13194G>A on transcript NM_004667.6 (MANE Select); coding-DNA position 13194, G replaced by A.
Protein change: p.Ala4398=; no amino-acid change (alanine 4398 retained).
Molecular consequence: synonymous variant.
Genome position (GRCh38, 1-based): chr15:28,121,424, C>T on the plus strand (G>A on the coding strand, the complement: HERC2 is on the minus strand). VCF-style: chr15-28121424-C-T. GRCh37 (hg19) VCF-style: chr15-28366570-C-T.
Identifiers: ClinVar variation 2645035 (VCV002645035.24), dbSNP rs372640210, ClinGen allele CA7440092.

ClinVar aggregate classification (germline): Likely benign (1 of 4 stars; one submission).

Allele frequency attached by ClinVar (database versions not stated): TOPMed 0.00003; ExAC 0.00004; gnomAD 0.00005; ESP Exome Variant Server 0.00008.
gnomAD v4.1: 36 of 1,613,810 alleles (0.0022%); highest among the groups gnomAD compares: Middle Eastern, 0.016%; no homozygotes.

Submission:

CeGaT Center for Human Genetics Tuebingen
Classification: Likely benign. Last evaluated: 2022-12-01. Review status: criteria provided, single submitter. Criteria: CeGaT Center For Human Genetics Tuebingen Variant Classification Criteria Version 2. Collection method: clinical testing. Allele origin: germline. Affected: yes. Observed: 1 variant allele.
Comment: HERC2: BP4, BP7